The following is an entry in ClinVar:

ClinVar aggregate classification (germline): Benign/Likely benign. Review status: criteria provided, multiple submitters, no conflicts (2 of 4 stars). 4 submissions from 4 submitters: Benign (1); Likely benign (3). Last evaluated 2026-01-05.

Conditions:
Hereditary cancer-predisposing syndrome. Also called: Hereditary neoplastic syndrome; Tumor predisposition; Hereditary Cancer Syndrome; Neoplastic Syndromes, Hereditary. Identifiers: Orphanet 140162, MedGen C0027672, MeSH D009386, MONDO:0015356.
Familial cancer of breast. Also called: Hereditary breast cancer; hereditary breast carcinoma; BREAST CANCER, FAMILIAL. Identifiers: Orphanet 227535, MedGen C0346153, MONDO:0016419, OMIM 114480. Disease mechanism: loss of function.

Allele frequency attached by ClinVar (database versions not stated): gnomAD below 0.00001 and 0.00001; gnomAD exomes 0.00001 and 0.00002; ExAC 0.00002.
gnomAD v4.1: 5 of 1,614,060 alleles (0.00031%); highest among the groups gnomAD compares: South Asian, 0.0044%; no homozygotes.

Submissions (4):

Labcorp Genetics (formerly Invitae), Labcorp
Classification: Likely benign for Familial cancer of breast. Last evaluated: 2026-01-05. Review status: criteria provided, single submitter. Criteria: Invitae Variant Classification Sherloc (09022015). Collection method: clinical testing. Allele origin: germline.

Myriad Genetics, Inc.
Classification: Benign for Familial cancer of breast. Last evaluated: 2025-01-15. Review status: criteria provided, single submitter. Criteria: Myriad Autosomal Dominant, Autosomal Recessive and X-Linked Classification Criteria (2023). Collection method: clinical testing. Allele origin: unknown.
Comment: This variant is considered benign. This variant is a silent/synonymous amino acid change and it is not expected to impact splicing.

Ambry Genetics
Classification: Likely benign for Hereditary cancer-predisposing syndrome. Last evaluated: 2019-08-30. Review status: criteria provided, single submitter. Criteria: Ambry Variant Classification Scheme 2023. Collection method: clinical testing. Allele origin: germline.

Color Diagnostics, LLC DBA Color Health
Classification: Likely benign for Hereditary cancer-predisposing syndrome. Last evaluated: 2017-03-08. Review status: criteria provided, single submitter. Criteria: ACMG Guidelines, 2015. Collection method: clinical testing. Allele origin: germline.

NM_024675.4(PALB2):c.2298A>G (p.Ser766=)

Gene: PALB2 (partner and localizer of BRCA2; minus strand). Cytogenetic location: 16p12.2.
Variant type: single nucleotide variant.
Coding change: c.2298A>G on transcript NM_024675.4 (MANE Select); coding-DNA position 2298, A replaced by G.
Protein change: p.Ser766=; no amino-acid change (serine 766 retained).
Molecular consequence: synonymous variant.
Genome position (GRCh38, 1-based): chr16:23,629,856, T>C on the plus strand (A>G on the coding strand, the complement: PALB2 is on the minus strand). VCF-style: chr16-23629856-T-C. GRCh37 (hg19) VCF-style: chr16-23641177-T-C.
Identifiers: ClinVar variation 492181 (VCV000492181.16), dbSNP rs754921518, ClinGen allele CA7963598.
Genomic context (GRCh38, chr16:23,629,856, plus strand): 5'-ATGTGGTTTTGCTGGGCTGCCTGAACTGTCGAATTGTTTAGTATCACTGGCAAGACAGAC[T>C]GAGTCTTTCAAATGAGCAAGTTGGGGTGTGCAGCAAGTTCGTCCAGCAACTTCTGTAGAT-3'
Protein context (NP_078951.2, residues 756-776): CTPQLAHLKD[Ser766=]VCLASDTKQF